The following is an entry in ClinVar:

NM_030962.4(SBF2):c.753-16T>C

Gene: SBF2 (SET binding factor 2; minus strand). Cytogenetic location: 11p15.4.
Variant type: single nucleotide variant.
Coding change: c.753-16T>C on transcript NM_030962.4 (MANE Select); 16 bases into the intron before coding-DNA position 753, T replaced by C.
Molecular consequence: intron variant.
Genome position (GRCh38, 1-based): chr11:10,001,038, A>G on the plus strand (T>C on the coding strand, the complement: SBF2 is on the minus strand). VCF-style: chr11-10001038-A-G. GRCh37 (hg19) VCF-style: chr11-10022585-A-G.
Other names: c.753-16T>C (NM_001386342.1, NM_001386339.1).
Identifiers: ClinVar variation 510865 (VCV000510865.7), dbSNP rs7128234, ClinGen allele CA5882015.

ClinVar aggregate classification (germline): Likely benign. Review status: criteria provided, multiple submitters, no conflicts (2 of 4 stars). 3 submissions from 3 submitters: Likely benign (3). Last evaluated 2025-03-06.

Conditions:
Charcot-Marie-Tooth disease. Also called: Charcot-Marie-Tooth Neuropathy; Charcot-Marie-Tooth Hereditary Neuropathy. Identifiers: Orphanet 166, MedGen C0007959, MONDO:0015626.
Charcot-Marie-Tooth disease type 4. Also called: Charcot-Marie-Tooth disease, type IV; Charcot-Marie-Tooth, Type 4. Identifiers: Orphanet 64749, MedGen C4082197, MONDO:0018995.

gnomAD v4.1: 54 of 1,314,126 alleles (0.0041%); highest among the groups gnomAD compares: Non-Finnish European, 0.0058%; no homozygotes.

Submissions (3):

Labcorp Genetics (formerly Invitae), Labcorp
Classification: Likely benign for Charcot-Marie-Tooth disease type 4. Last evaluated: 2025-03-06. Review status: criteria provided, single submitter. Criteria: Invitae Variant Classification Sherloc (09022015). Collection method: clinical testing. Allele origin: germline.

GeneDx
Classification: Likely benign. Last evaluated: 2017-07-20. Review status: criteria provided, single submitter. Criteria: GeneDx Variant Classification (06012015). Collection method: clinical testing. Allele origin: germline. Affected: yes.
Comment: This variant is considered likely benign or benign based on one or more of the following criteria: it is a conservative change, it occurs at a poorly conserved position in the protein, it is predicted to be benign by multiple in silico algorithms, and/or has population frequency not consistent with disease.

Molecular Genetics Laboratory, London Health Sciences Centre
Classification: Likely benign for Charcot-Marie-Tooth disease. Review status: criteria provided, single submitter. Criteria: ACMG Guidelines, 2015. Collection method: clinical testing. Allele origin: germline. Affected: yes.